The following is an entry in ClinVar:

NM_001042432.2(CLN3):c.397A>G (p.Ile133Val)

Gene: CLN3 (CLN3 lysosomal/endosomal transmembrane protein, battenin; minus strand). Cytogenetic location: 16p12.1.
Variant type: single nucleotide variant.
Coding change: c.397A>G on transcript NM_001042432.2 (MANE Select); coding-DNA position 397, A replaced by G.
Protein change: p.Ile133Val; replaces isoleucine 133 with valine.
Molecular consequence: missense variant.
Genome position (GRCh38, 1-based): chr16:28,487,519, T>C on the plus strand (A>G on the coding strand, the complement: CLN3 is on the minus strand). VCF-style: chr16-28487519-T-C. GRCh37 (hg19) VCF-style: chr16-28498840-T-C.
Other names: c.397A>G, p.Ile133Val (NM_000086.2); c.325A>G, p.Ile109Val (NM_001286104.2); c.97A>G, p.Ile33Val (NM_001286105.2); c.163A>G, p.Ile55Val (NM_001286109.2); c.235A>G, p.Ile79Val (NM_001286110.2); short protein forms I109V, I33V, I79V, I133V, I55V.
Identifiers: ClinVar variation 837311 (VCV000837311.9), dbSNP rs1295659689, ClinGen allele CA395345939.

ClinVar aggregate classification (germline): Uncertain significance (1 of 4 stars; one submission).

Conditions:
Neuronal ceroid lipofuscinosis. Also called: Neuronal Ceroid Lipofuscinoses. Identifiers: Orphanet 216, Orphanet 79263, MedGen C0027877, MONDO:0016295. Disease mechanism: loss of function.

Allele frequency attached by ClinVar (database versions not stated): TOPMed below 0.00001; gnomAD exomes 0.00001.
gnomAD v4.1: 1 of 1,613,282 alleles (0.000062%); highest among the groups gnomAD compares: Admixed American, 0.0017%; no homozygotes.

Submission:

Labcorp Genetics (formerly Invitae), Labcorp
Classification: Uncertain significance for Neuronal ceroid lipofuscinosis. Last evaluated: 2023-05-15. Review status: criteria provided, single submitter. Criteria: Invitae Variant Classification Sherloc (09022015). Collection method: clinical testing. Allele origin: germline.
Comment: In summary, the available evidence is currently insufficient to determine the role of this variant in disease. Therefore, it has been classified as a Variant of Uncertain Significance. Advanced modeling of protein sequence and biophysical properties (such as structural, functional, and spatial information, amino acid conservation, physicochemical variation, residue mobility, and thermodynamic stability) performed at Invitae indicates that this missense variant is not expected to disrupt CLN3 protein function. ClinVar contains an entry for this variant (Variation ID: 837311). This variant has not been reported in the literature in individuals affected with CLN3-related conditions. This variant is present in population databases (no rsID available, gnomAD 0.003%). This sequence change replaces isoleucine, which is neutral and non-polar, with valine, which is neutral and non-polar, at codon 133 of the CLN3 protein (p.Ile133Val).